The following is an entry in ClinVar:

NM_002691.4(POLD1):c.3120+6_3121-34del

Gene: POLD1 (DNA polymerase delta 1, catalytic subunit; plus strand). Cytogenetic location: 19q13.33.
Variant type: Deletion.
Coding change: c.3120+6_3121-34del on transcript NM_002691.4 (MANE Select); 6 bases into the intron after coding-DNA position 3120 through 34 bases into the intron before coding-DNA position 3121, 36 bases deleted.
Molecular consequence: intron variant.
Genome position (GRCh38, 1-based): chr19:50,417,103-50,417,138, 36 bases deleted. GRCh37 (hg19): chr19:50,920,360-50,920,395.
Other names: c.3120+6_3121-34del (NM_001256849.1); c.3198+6_3199-34del (NM_001308632.1).
Identifiers: ClinVar variation 3647318 (VCV003647318.2).

ClinVar aggregate classification (germline): Uncertain significance (1 of 4 stars; one submission).

Conditions:
POLD1-related polyposis and colorectal cancer syndrome (CRCS10). Also called: Colorectal cancer 10; COLORECTAL CANCER, SUSCEPTIBILITY TO, ON CHROMOSOME 19q; Colorectal cancer, susceptibility to, 10. Identifiers: Orphanet 220460, MedGen C2675481, MONDO:0012953, OMIM 612591.

Submission:

Labcorp Genetics (formerly Invitae), Labcorp
Classification: Uncertain significance for POLD1-related polyposis and colorectal cancer syndrome. Last evaluated: 2024-03-22. Review status: criteria provided, single submitter. Criteria: Invitae Variant Classification Sherloc (09022015). Collection method: clinical testing. Allele origin: germline.
Comment: This sequence change falls in intron 25 of the POLD1 gene. It does not directly change the encoded amino acid sequence of the POLD1 protein. It affects a nucleotide within the consensus splice site. This variant is not present in population databases (gnomAD no frequency). This variant has not been reported in the literature in individuals affected with POLD1-related conditions. Variants that disrupt the consensus splice site are a relatively common cause of aberrant splicing (PMID: 17576681, 9536098). Experimental studies and prediction algorithms are not available or were not evaluated, and the effect of this variant on mRNA splicing is currently unknown. In summary, the available evidence is currently insufficient to determine the role of this variant in disease. Therefore, it has been classified as a Variant of Uncertain Significance.

Literature cited by the submitters: PubMed 17576681; PubMed 9536098.